The following is an entry in ClinVar:

NM_000142.5(FGFR3):c.1014C>T (p.Thr338=)

Gene: FGFR3 (fibroblast growth factor receptor 3; plus strand). Cytogenetic location: 4p16.3.
Variant type: single nucleotide variant.
Coding change: c.1014C>T on transcript NM_000142.5 (MANE Select); coding-DNA position 1014, C replaced by T.
Protein change: p.Thr338=; no amino-acid change (threonine 338 retained).
Molecular consequence: synonymous variant. On other transcripts: non-coding transcript variant (1), intron variant (2).
Genome position (GRCh38, 1-based): chr4:1,803,775, C>T. VCF-style: chr4-1803775-C-T. GRCh37 (hg19) VCF-style: chr4-1805502-C-T.
Other names: c.1014C>T, p.Thr338= (NM_001354809.2, NM_001354810.2); c.1082-555C>T (NM_001163213.2); c.931-1049C>T (NM_022965.4).
Identifiers: ClinVar variation 255321 (VCV000255321.65), dbSNP rs4647928, ClinGen allele CA2810164.

ClinVar aggregate classification (germline): Benign/Likely benign. Review status: criteria provided, multiple submitters, no conflicts (2 of 4 stars). 14 submissions from 14 submitters: Benign (6); Likely benign (4). 4 of the submissions do not count toward it. Last evaluated 2026-09-01.

Conditions:
FGFR3-related chondrodysplasia. Identifiers: Orphanet 93420, MedGen C5681604, MONDO:0019685.

Allele frequency attached by ClinVar (database versions not stated): 1000 Genomes Project 30x 0.00141; 1000 Genomes Project 0.00160; TOPMed 0.00322; gnomAD 0.00328; ExAC 0.00399; gnomAD exomes 0.00456 and 0.00458; ESP Exome Variant Server 0.00523.
gnomAD v4.1: 7,290 of 1,614,096 alleles (0.45%); highest among the groups gnomAD compares: Non-Finnish European, 0.43%; 59 homozygotes.

Submissions (14):

CeGaT Center for Human Genetics Tuebingen
Classification: Likely benign. Last evaluated: 2026-09-01. Review status: criteria provided, single submitter. Criteria: CeGaT Center For Human Genetics Tuebingen Variant Classification Criteria Version 2. Collection method: clinical testing. Allele origin: germline. Affected: yes. Observed: 14 variant alleles.
Comment: FGFR3: BP4, BP7, BS2

Genomenon, Inc
Classification: Likely benign for FGFR3-related chondrodysplasia. Last evaluated: 2026-06-23. Review status: criteria provided, single submitter. Criteria: Genomenon Sequence Variant Interpretation Standards - Updated. Collection method: curation. Allele origin: germline. Affected: no.
Comment: FGFR3 p.Thr338= (c.1014C>T) is a synonymous variant that retains Threonine at codon 338. This variant’s allele frequency in gnomAD is greater than expected for this disorder. This synonymous variant is not predicted to impact splicing. In conclusion, we classify FGFR3 p.Thr338= (c.1014C>T) as a likely benign variant.

Women's Health and Genetics/Laboratory Corporation of America, LabCorp
Classification: Benign. Last evaluated: 2026-05-11. Review status: criteria provided, single submitter. Criteria: LabCorp Variant Classification Summary - May 2015. Collection method: clinical testing. Allele origin: germline.

Labcorp Genetics (formerly Invitae), Labcorp
Classification: Benign. Last evaluated: 2026-01-28. Review status: criteria provided, single submitter. Criteria: Invitae Variant Classification Sherloc (09022015). Collection method: clinical testing. Allele origin: germline.

Blueprint Genetics
Classification: Likely benign. Last evaluated: 2024-11-21. Review status: criteria provided, single submitter. Criteria: ACMG Guidelines, 2015. Collection method: clinical testing. Allele origin: germline.

ARUP Laboratories, Molecular Genetics and Genomics, ARUP Laboratories
Classification: Benign. Last evaluated: 2024-05-23. Review status: criteria provided, single submitter. Criteria: ARUP Molecular Germline Variant Investigation Process 2024. Collection method: clinical testing. Allele origin: germline.

GeneDx
Classification: Benign. Last evaluated: 2017-04-25. Review status: criteria provided, single submitter. Criteria: GeneDx Variant Classification (06012015). Collection method: clinical testing. Allele origin: germline. Affected: yes.
Comment: This variant is considered likely benign or benign based on one or more of the following criteria: it is a conservative change, it occurs at a poorly conserved position in the protein, it is predicted to be benign by multiple in silico algorithms, and/or has population frequency not consistent with disease.

Eurofins Ntd Llc (ga)
Classification: Benign. Last evaluated: 2015-07-13. Review status: criteria provided, single submitter. Criteria: EGL Classification Definitions 2015. Collection method: clinical testing. Allele origin: germline. Observed: 1 variant allele, 1 heterozygote.

Breakthrough Genomics
Classification: Likely benign. Review status: criteria provided, single submitter. Criteria: ACMG Guidelines, 2015. Collection method: not provided. Allele origin: germline. Inheritance: Autosomal dominant inheritance. Affected: yes.

PreventionGenetics, part of Exact Sciences
Classification: Benign. Review status: criteria provided, single submitter. Criteria: ACMG Guidelines, 2015. Collection method: clinical testing. Allele origin: germline.

Clinical Genetics DNA and cytogenetics Diagnostics Lab, Erasmus MC, Erasmus Medical Center
Classification: Likely benign. Review status: no assertion criteria provided. Collection method: clinical testing. Allele origin: germline. Affected: yes. Study: VKGL Data-share Consensus. Not counted in ClinVar's aggregate classification.

Genome Diagnostics Laboratory, Amsterdam University Medical Center
Classification: Likely benign. Review status: no assertion criteria provided. Collection method: clinical testing. Allele origin: germline. Affected: yes. Study: VKGL Data-share Consensus. Not counted in ClinVar's aggregate classification.

Joint Genome Diagnostic Labs from Nijmegen and Maastricht, Radboudumc and MUMC+
Classification: Likely benign. Review status: no assertion criteria provided. Collection method: clinical testing. Allele origin: germline. Affected: yes. Study: VKGL Data-share Consensus. Not counted in ClinVar's aggregate classification.

Laboratory of Diagnostic Genome Analysis, Leiden University Medical Center (LUMC)
Classification: Benign. Review status: no assertion criteria provided. Collection method: clinical testing. Allele origin: germline. Affected: yes. Study: VKGL Data-share Consensus. Not counted in ClinVar's aggregate classification.

Literature cited by the submitters: PubMed 36240469 (cited by Genomenon, Inc).